The following is an entry in ClinVar:

ClinVar aggregate classification (germline): Uncertain significance (1 of 4 stars; one submission).

Submission:

Labcorp Genetics (formerly Invitae), Labcorp
Classification: Uncertain significance. Last evaluated: 2025-02-24. Review status: criteria provided, single submitter. Criteria: Invitae Variant Classification Sherloc (09022015). Collection method: clinical testing. Allele origin: germline.
Comment: This sequence change replaces proline, which is neutral and non-polar, with leucine, which is neutral and non-polar, at codon 370 of the PIGV protein (p.Pro370Leu). This variant is not present in population databases (gnomAD no frequency). This variant has not been reported in the literature in individuals affected with PIGV-related conditions. ClinVar contains an entry for this variant (Variation ID: 1993712). Invitae Evidence Modeling of protein sequence and biophysical properties (such as structural, functional, and spatial information, amino acid conservation, physicochemical variation, residue mobility, and thermodynamic stability) indicates that this missense variant is not expected to disrupt PIGV protein function with a negative predictive value of 95%. In summary, the available evidence is currently insufficient to determine the role of this variant in disease. Therefore, it has been classified as a Variant of Uncertain Significance.

NM_017837.4(PIGV):c.1109C>T (p.Pro370Leu)

Gene: PIGV (phosphatidylinositol glycan anchor biosynthesis class V; plus strand). Cytogenetic location: 1p36.11.
Variant type: single nucleotide variant.
Coding change: c.1109C>T on transcript NM_017837.4 (MANE Select); coding-DNA position 1109, C replaced by T.
Protein change: p.Pro370Leu; replaces proline 370 with leucine.
Molecular consequence: missense variant. On other transcripts: non-coding transcript variant (1), intron variant (1).
Genome position (GRCh38, 1-based): chr1:26,795,143, C>T. VCF-style: chr1-26795143-C-T. GRCh37 (hg19) VCF-style: chr1-27121634-C-T.
Other names: c.1109C>T, p.Pro370Leu (NM_001202554.2, NM_001374478.1, NM_001374480.1 and 2 more transcripts); c.728C>T, p.Pro243Leu (NM_001374483.1); c.482C>T, p.Pro161Leu (NM_001374484.1, NM_001374485.1); c.79-2420C>T (NM_001374486.1); short protein forms P161L, P243L, P370L.
Identifiers: ClinVar variation 1993712 (VCV001993712.4), dbSNP rs2522176232, ClinGen allele CA339201856.
Genomic context (GRCh38, chr1:26,795,143, plus strand): 5'-CTTGGCTCTGCCTTACACTTGGGCTGCAAAGGAGCAAGAACAATAAGACCCTAGAGAAGC[C>T]CGATCTTGGATTCCTCAGTCCTCAGGTGTTTGTGTACGTGGTCCACGCTGCAGTGCTGCT-3'
Protein context (NP_060307.2, residues 360-380): RSKNNKTLEK[Pro370Leu]DLGFLSPQVF